The following is an entry in ClinVar:

ClinVar aggregate classification (germline): Uncertain significance (1 of 4 stars; one submission).

Conditions:
Cardiovascular phenotype. Identifiers: MedGen CN230736.

Submission:

Ambry Genetics
Classification: Uncertain significance for Cardiovascular phenotype. Last evaluated: 2026-06-14. Review status: criteria provided, single submitter. Criteria: Ambry Variant Classification Scheme 2023. Collection method: clinical testing. Allele origin: germline.
Comment: The p.I4533T variant (also known as c.13598T>C), located in coding exon 29 of the APOB gene, results from a T to C substitution at nucleotide position 13598. The isoleucine at codon 4533 is replaced by threonine, an amino acid with similar properties. This amino acid position is conserved. In addition, this alteration is predicted to be tolerated by in silico analysis. Based on the available evidence, the clinical significance of this variant remains unclear.

NM_000384.3(APOB):c.13598T>C (p.Ile4533Thr)

Genes: APOB (apolipoprotein B; minus strand), APOB3'MAR (APOB 3' scaffold/matrix attachment region; plus strand). Cytogenetic location: 2p24.1.
Variant type: single nucleotide variant.
Coding change: c.13598T>C on transcript NM_000384.3 (MANE Select); coding-DNA position 13598, T replaced by C.
Protein change: p.Ile4533Thr; replaces isoleucine 4533 with threonine.
Molecular consequence: missense variant.
Genome position (GRCh38, 1-based): chr2:21,001,824, A>G on the plus strand (T>C on the coding strand, the complement: APOB is on the minus strand). VCF-style: chr2-21001824-A-G. GRCh37 (hg19) VCF-style: chr2-21224696-A-G.
Other names: short protein forms I4533T.
Identifiers: ClinVar variation 4862782 (VCV004862782.1).